The following is an entry in ClinVar:

ClinVar aggregate classification (germline): Benign (1 of 4 stars; one submission).

Conditions:
Familial cancer of breast. Also called: hereditary breast carcinoma; BREAST CANCER, FAMILIAL; Hereditary breast cancer. Identifiers: Orphanet 227535, MedGen C0346153, MONDO:0016419, OMIM 114480. Disease mechanism: loss of function.

Submission:

Myriad Genetics, Inc.
Classification: Benign for Familial cancer of breast. Last evaluated: 2024-06-07. Review status: criteria provided, single submitter. Criteria: Myriad Autosomal Dominant, Autosomal Recessive and X-Linked Classification Criteria (2023). Collection method: clinical testing. Allele origin: unknown.
Comment: This variant is considered benign. This variant is a silent/synonymous amino acid change and it is not expected to impact splicing.

NM_000051.4(ATM):c.6549A>G (p.Glu2183=)

Genes: ATM (ATM serine/threonine kinase; plus strand), C11orf65 (chromosome 11 open reading frame 65; minus strand). Cytogenetic location: 11q22.3.
Variant type: single nucleotide variant.
Coding change: c.6549A>G on transcript NM_000051.4 (MANE Select); coding-DNA position 6549, A replaced by G.
Protein change: p.Glu2183=; no amino-acid change (glutamic acid 2183 retained).
Molecular consequence: synonymous variant. On other transcripts: intron variant (2).
Genome position (GRCh38, 1-based): chr11:108,321,397, A>G. VCF-style: chr11-108321397-A-G. GRCh37 (hg19) VCF-style: chr11-108192124-A-G.
Other names: c.*39-12326T>C (NM_001351110.2); c.6549A>G, p.Glu2183= (NM_001351834.2); c.641-12326T>C (NM_001330368.2).
Identifiers: ClinVar variation 3253954 (VCV003253954.1), dbSNP rs2547164595.